The following is an entry in ClinVar:

ClinVar aggregate classification (germline): Benign (1 of 4 stars; one submission).

Conditions:
Inflammatory bowel disease 28. Also called: Inflammatory bowel disease 28, early onset, autosomal recessive. Identifiers: Orphanet 238569, MedGen C2751053, MONDO:0013153, OMIM 613148.

Allele frequency attached by ClinVar (database versions not stated): gnomAD 0.00005 and 0.00078; TOPMed 0.00022; gnomAD exomes 0.00417 and 0.00468; 1000 Genomes Project 30x 0.00547; 1000 Genomes Project 0.00599; ExAC 0.01691.
gnomAD v4.1: 1,493 of 454,288 alleles (0.33%); highest among the groups gnomAD compares: South Asian, 2.2%; 32 homozygotes.

Submission:

Illumina Laboratory Services, Illumina
Classification: Benign for Inflammatory bowel disease 28. Last evaluated: 2018-01-13. Review status: criteria provided, single submitter. Criteria: ICSL Variant Classification Criteria 13 December 2019. Collection method: clinical testing. Allele origin: germline.
Comment: This variant was observed in the ICSL laboratory as part of a predisposition screen in an ostensibly healthy population. It had not been previously curated by ICSL or reported in the Human Gene Mutation Database (HGMD: prior to June 1st, 2018), and was therefore a candidate for classification through an automated scoring system. Utilizing variant allele frequency, disease prevalence and penetrance estimates, and inheritance mode, an automated score was calculated to assess if this variant is too frequent to cause the disease. Based on the score and internal cut-off values, a variant classified as benign is not then subjected to further curation. The score for this variant resulted in a classification of benign for this disease.

NM_001558.4(IL10RA):c.*968G>A

Gene: IL10RA (interleukin 10 receptor subunit alpha; plus strand). Cytogenetic location: 11q23.3.
Variant type: single nucleotide variant.
Coding change: c.*968G>A on transcript NM_001558.4 (MANE Select); 968 bases downstream of the stop codon, G replaced by A.
Molecular consequence: 3 prime UTR variant. On other transcripts: non-coding transcript variant (1).
Genome position (GRCh38, 1-based): chr11:118,000,609, G>A. VCF-style: chr11-118000609-G-A. GRCh37 (hg19) VCF-style: chr11-117871324-G-A.
Identifiers: ClinVar variation 302570 (VCV000302570.5), dbSNP rs562515149, ClinGen allele CA6299298.
Genomic context (GRCh38, chr11:118,000,609, plus strand): 5'-AGGGTTGGAGGCCTGTGCTTGTGTTTGCTGCTAATGTCCAGCTACAGACCCAGAGGATAA[G>A]CCACTGGGCACTGGGCTGGGGTCCCTGCCTTGTTGGTGTTCAGCTGTGTGATTTTGGACT-3'